The following is an entry in ClinVar:

NM_000810.4(GABRA5):c.856G>A (p.Val286Ile)

Gene: GABRA5 (gamma-aminobutyric acid type A receptor subunit alpha5; plus strand). Cytogenetic location: 15q12.
Variant type: single nucleotide variant.
Coding change: c.856G>A on transcript NM_000810.4 (MANE Select); coding-DNA position 856, G replaced by A.
Protein change: p.Val286Ile; replaces valine 286 with isoleucine.
Molecular consequence: missense variant.
Genome position (GRCh38, 1-based): chr15:26,940,056, G>A. VCF-style: chr15-26940056-G-A. GRCh37 (hg19) VCF-style: chr15-27185203-G-A.
Other names: c.856G>A, p.Val286Ile (NM_001165037.2); short protein forms V286I.
Identifiers: ClinVar variation 3389497 (VCV003389497.14).

ClinVar aggregate classification (germline): Uncertain significance (1 of 4 stars; one submission).

Submission:

CeGaT Center for Human Genetics Tuebingen
Classification: Uncertain significance. Last evaluated: 2024-10-01. Review status: criteria provided, single submitter. Criteria: CeGaT Center For Human Genetics Tuebingen Variant Classification Criteria Version 2. Collection method: clinical testing. Allele origin: germline. Affected: yes. Observed: 1 variant allele.
Comment: GABRA5: PM2